The following is an entry in ClinVar:

ClinVar aggregate classification (germline): Uncertain significance. Review status: criteria provided, multiple submitters, no conflicts (2 of 4 stars). 2 submissions from 2 submitters: Uncertain significance (2). Last evaluated 2025-10-27.

Conditions:
Hereditary cancer-predisposing syndrome. Also called: Hereditary Cancer Syndrome; Tumor predisposition; Hereditary neoplastic syndrome; Neoplastic Syndromes, Hereditary. Identifiers: Orphanet 140162, MedGen C0027672, MeSH D009386, MONDO:0015356.
Waardenburg syndrome type 2A (WS2A). Also called: WAARDENBURG SYNDROME WITHOUT DYSTOPIA CANTHORUM. Identifiers: Orphanet 3440, MedGen C1860339, MONDO:0008671, OMIM 193510.
Melanoma, cutaneous malignant, susceptibility to, 8. Also called: MELANOMA AND RENAL CELL CARCINOMA, SUSCEPTIBILITY TO; Cutaneous malignant melanoma 8. Identifiers: Orphanet 293822, MedGen C3152204, MONDO:0013759, OMIM 614456.
Tietz syndrome (TADS). Also called: ALBINISM-DEAFNESS OF TIETZ; HYPOPIGMENTATION/DEAFNESS OF TIETZ; TIETZ ALBINISM-DEAFNESS SYNDROME. Identifiers: Orphanet 42665, MedGen C0391816, MONDO:0007077, OMIM 103500.

gnomAD v4.1: 4 of 1,613,982 alleles (0.00025%); highest among the groups gnomAD compares: Non-Finnish European, 0.00034%; no homozygotes.

Submissions (2):

Labcorp Genetics (formerly Invitae), Labcorp
Classification: Uncertain significance for Melanoma, cutaneous malignant, susceptibility to, 8; Waardenburg syndrome type 2A; Tietz syndrome. Last evaluated: 2025-10-27. Review status: criteria provided, single submitter. Criteria: Invitae Variant Classification Sherloc (09022015). Collection method: clinical testing. Allele origin: germline.
Comment: This sequence change replaces asparagine, which is neutral and polar, with serine, which is neutral and polar, at codon 351 of the MITF protein (p.Asn351Ser). This variant is not present in population databases (gnomAD no frequency). This variant has not been reported in the literature in individuals affected with MITF-related conditions. ClinVar contains an entry for this variant (Variation ID: 3396345). Invitae Evidence Modeling of protein sequence and biophysical properties (such as structural, functional, and spatial information, amino acid conservation, physicochemical variation, residue mobility, and thermodynamic stability) indicates that this missense variant is not expected to disrupt MITF protein function with a negative predictive value of 80%. In summary, the available evidence is currently insufficient to determine the role of this variant in disease. Therefore, it has been classified as a Variant of Uncertain Significance.

Ambry Genetics
Classification: Uncertain significance for Hereditary cancer-predisposing syndrome. Last evaluated: 2024-12-01. Review status: criteria provided, single submitter. Criteria: Ambry Variant Classification Scheme 2023. Collection method: clinical testing. Allele origin: germline.
Comment: The p.N351S variant (also known as c.1052A>G), located in coding exon 9 of the MITF gene, results from an A to G substitution at nucleotide position 1052. The asparagine at codon 351 is replaced by serine, an amino acid with highly similar properties. This amino acid position is conserved. In addition, this alteration is predicted to be tolerated by in silico analysis. Based on the available evidence, the clinical significance of this variant remains unclear.

NM_001354604.2(MITF):c.1373A>G (p.Asn458Ser)

Gene: MITF (melanocyte inducing transcription factor; plus strand). Cytogenetic location: 3p13.
Variant type: single nucleotide variant.
Coding change: c.1373A>G on transcript NM_001354604.2 (MANE Select); coding-DNA position 1373, A replaced by G.
Protein change: p.Asn458Ser; replaces asparagine 458 with serine.
Molecular consequence: missense variant.
Genome position (GRCh38, 1-based): chr3:69,965,040, A>G. VCF-style: chr3-69965040-A-G. GRCh37 (hg19) VCF-style: chr3-70014191-A-G.
Other names: c.1052A>G, p.Asn351Ser (NM_000248.4); c.1199A>G, p.Asn400Ser (NM_001184967.2, NM_001354608.2); c.1370A>G, p.Asn457Ser (NM_001354605.2); c.1352A>G, p.Asn451Ser (NM_001354606.2, NM_006722.3); c.1304A>G, p.Asn435Ser (NM_001354607.2); c.1034A>G, p.Asn345Ser (NM_198158.3); c.1355A>G, p.Asn452Ser (NM_198159.3); c.1307A>G, p.Asn436Ser (NM_198177.3); and 1 more; short protein forms N400S, N289S, N345S, N351S, N451S, N458S, N436S, N457S.
Identifiers: ClinVar variation 3396345 (VCV003396345.2).